The following is an entry in ClinVar:

ClinVar aggregate classification (germline): Uncertain significance (1 of 4 stars; one submission).

Conditions:
Congenital contractural arachnodactyly (CCA). Also called: BEALS SYNDROME; Beals-Hecht syndrome; Arthrogryposis, distal, type 9. Identifiers: Orphanet 115, MedGen C0220668, MONDO:0007363, OMIM 121050.

Allele frequency attached by ClinVar (database versions not stated): gnomAD exomes below 0.00001.
gnomAD v4.1: 1 of 1,614,128 alleles (0.000062%); highest among the groups gnomAD compares: Non-Finnish European, 0.000085%; no homozygotes.

Submission:

Labcorp Genetics (formerly Invitae), Labcorp
Classification: Uncertain significance for Congenital contractural arachnodactyly. Last evaluated: 2022-08-20. Review status: criteria provided, single submitter. Criteria: Invitae Variant Classification Sherloc (09022015). Collection method: clinical testing. Allele origin: germline.
Comment: This variant has not been reported in the literature in individuals affected with FBN2-related conditions. This variant is not present in population databases (gnomAD no frequency). This sequence change replaces asparagine, which is neutral and polar, with serine, which is neutral and polar, at codon 912 of the FBN2 protein (p.Asn912Ser). Advanced modeling of protein sequence and biophysical properties (such as structural, functional, and spatial information, amino acid conservation, physicochemical variation, residue mobility, and thermodynamic stability) performed at Invitae indicates that this missense variant is not expected to disrupt FBN2 protein function. In summary, the available evidence is currently insufficient to determine the role of this variant in disease. Therefore, it has been classified as a Variant of Uncertain Significance.

NM_001999.4(FBN2):c.2735A>G (p.Asn912Ser)

Gene: FBN2 (fibrillin 2; minus strand). Cytogenetic location: 5q23.3.
Variant type: single nucleotide variant.
Coding change: c.2735A>G on transcript NM_001999.4 (MANE Select); coding-DNA position 2735, A replaced by G.
Protein change: p.Asn912Ser; replaces asparagine 912 with serine.
Molecular consequence: missense variant.
Genome position (GRCh38, 1-based): chr5:128,350,945, T>C on the plus strand (A>G on the coding strand, the complement: FBN2 is on the minus strand). VCF-style: chr5-128350945-T-C. GRCh37 (hg19) VCF-style: chr5-127686637-T-C.
Other names: short protein forms N912S.
Identifiers: ClinVar variation 2070294 (VCV002070294.4), dbSNP rs2479308897, ClinGen allele CA360766306.